The following is an entry in ClinVar:

ClinVar aggregate classification (germline): Pathogenic. Review status: criteria provided, multiple submitters, no conflicts (2 of 4 stars). 2 submissions from 2 submitters: Pathogenic (2). Last evaluated 2025-07-23.

Conditions:
ABCA4-related disorder. Also called: ABCA4-related disorders; ABCA4-related condition. Identifiers: MedGen CN239167.

Allele frequency attached by ClinVar (database versions not stated): gnomAD exomes below 0.00001; TOPMed below 0.00001.
gnomAD v4.1: 1 of 1,614,192 alleles (0.000062%); highest among the groups gnomAD compares: Non-Finnish European, 0.000085%; no homozygotes.

Submissions (2):

Labcorp Genetics (formerly Invitae), Labcorp
Classification: Pathogenic. Last evaluated: 2025-07-23. Review status: criteria provided, single submitter. Criteria: Invitae Variant Classification Sherloc (09022015). Collection method: clinical testing. Allele origin: germline.
Comment: This sequence change replaces glycine, which is neutral and non-polar, with serine, which is neutral and polar, at codon 2074 of the ABCA4 protein (p.Gly2074Ser). This variant is not present in population databases (gnomAD no frequency). This missense change has been observed in individuals with clinical features of Stargardt disease (PMID: 18652558, 29178665; internal data). ClinVar contains an entry for this variant (Variation ID: 1437316). Invitae Evidence Modeling of protein sequence and biophysical properties (such as structural, functional, and spatial information, amino acid conservation, physicochemical variation, residue mobility, and thermodynamic stability) indicates that this missense variant is expected to disrupt ABCA4 protein function with a positive predictive value of 95%. This variant disrupts the p.Gly2074 amino acid residue in ABCA4. Other variant(s) that disrupt this residue have been determined to be pathogenic (PMID: 23419329, 25082885, 29925512; internal data). This suggests that this residue is clinically significant, and that variants that disrupt this residue are likely to be disease-causing. For these reasons, this variant has been classified as Pathogenic.

Blueprint Genetics
Classification: Pathogenic for ABCA4-related disorders. Last evaluated: 2022-03-08. Review status: criteria provided, single submitter. Criteria: ACMG Guidelines, 2015. Collection method: clinical testing. Allele origin: germline. Affected: yes. Observed: 5 variant alleles.

Literature cited by the submitters: PubMed 18652558 (cited by Labcorp Genetics (formerly Invitae), Labcorp); PubMed 29178665 (cited by Labcorp Genetics (formerly Invitae), Labcorp); PubMed 23419329 (cited by Labcorp Genetics (formerly Invitae), Labcorp); PubMed 25082885 (cited by Labcorp Genetics (formerly Invitae), Labcorp); PubMed 29925512 (cited by Labcorp Genetics (formerly Invitae), Labcorp).

NM_000350.3(ABCA4):c.6220G>A (p.Gly2074Ser)

Gene: ABCA4 (ATP binding cassette subfamily A member 4; minus strand). Cytogenetic location: 1p22.1.
Variant type: single nucleotide variant.
Coding change: c.6220G>A on transcript NM_000350.3 (MANE Select); coding-DNA position 6220, G replaced by A.
Protein change: p.Gly2074Ser; replaces glycine 2074 with serine.
Molecular consequence: missense variant.
Genome position (GRCh38, 1-based): chr1:94,001,920, C>T on the plus strand (G>A on the coding strand, the complement: ABCA4 is on the minus strand). VCF-style: chr1-94001920-C-T. GRCh37 (hg19) VCF-style: chr1-94467476-C-T.
Other names: c.5998G>A, p.Gly2000Ser (NM_001425324.1); short protein forms G2074S, G2000S.
Identifiers: ClinVar variation 1437316 (VCV001437316.9), dbSNP rs1659196542, ClinGen allele CA341278253.
Genomic context (GRCh38, chr1:94,001,920, plus strand): 5'-GCAGCACCAGCGGTGGGCAGCCAATGAGTGCGATGGCTGTGGAGAGTTTCCGCTTGTTGC[C>T]CCCACTGTACGTGCCAGCCAGGCAGTCGGCGTAGACAGTCAGGCCCAGGCTCTTAATACT-3'
Protein context (NP_000341.2, residues 2064-2084): ADCLAGTYSG[Gly2074Ser]NKRKLSTAIA